The following is an entry in ClinVar:

NM_003705.5(SLC25A12):c.147T>A (p.Asp49Glu)

Gene: SLC25A12 (solute carrier family 25 member 12; minus strand). Cytogenetic location: 2q31.1.
Variant type: single nucleotide variant.
Coding change: c.147T>A on transcript NM_003705.5 (MANE Select); coding-DNA position 147, T replaced by A.
Protein change: p.Asp49Glu; replaces aspartic acid 49 with glutamic acid.
Molecular consequence: missense variant. On other transcripts: non-coding transcript variant (1).
Genome position (GRCh38, 1-based): chr2:171,868,743, A>T on the plus strand (T>A on the coding strand, the complement: SLC25A12 is on the minus strand). VCF-style: chr2-171868743-A-T. GRCh37 (hg19) VCF-style: chr2-172725253-A-T.
Other names: short protein forms D49E.
Identifiers: ClinVar variation 1060198 (VCV001060198.9), dbSNP rs749405862, ClinGen allele CA1966464.

ClinVar aggregate classification (germline): Uncertain significance (1 of 4 stars; one submission).

Allele frequency attached by ClinVar (database versions not stated): gnomAD exomes 0.00001; ExAC 0.00002.
gnomAD v4.1: 12 of 1,614,006 alleles (0.00074%); highest among the groups gnomAD compares: Non-Finnish European, 0.00093%; no homozygotes.

Submission:

Labcorp Genetics (formerly Invitae), Labcorp
Classification: Uncertain significance. Last evaluated: 2022-08-01. Review status: criteria provided, single submitter. Criteria: Invitae Variant Classification Sherloc (09022015). Collection method: clinical testing. Allele origin: germline.
Comment: This sequence change replaces aspartic acid, which is acidic and polar, with glutamic acid, which is acidic and polar, at codon 49 of the SLC25A12 protein (p.Asp49Glu). This variant is present in population databases (rs749405862, gnomAD 0.002%). This variant has not been reported in the literature in individuals affected with SLC25A12-related conditions. ClinVar contains an entry for this variant (Variation ID: 1060198). Algorithms developed to predict the effect of missense changes on protein structure and function (SIFT, PolyPhen-2, Align-GVGD) all suggest that this variant is likely to be tolerated. In summary, the available evidence is currently insufficient to determine the role of this variant in disease. Therefore, it has been classified as a Variant of Uncertain Significance.